The following is an entry in ClinVar:

NM_000141.5(FGFR2):c.2180A>G (p.Asn727Ser)

Gene: FGFR2 (fibroblast growth factor receptor 2; minus strand). Cytogenetic location: 10q26.13.
Variant type: single nucleotide variant.
Coding change: c.2180A>G on transcript NM_000141.5 (MANE Select); coding-DNA position 2180, A replaced by G.
Protein change: p.Asn727Ser; replaces asparagine 727 with serine.
Molecular consequence: missense variant. On other transcripts: non-coding transcript variant (1).
Genome position (GRCh38, 1-based): chr10:121,485,410, T>C on the plus strand (A>G on the coding strand, the complement: FGFR2 is on the minus strand). VCF-style: chr10-121485410-T-C. GRCh37 (hg19) VCF-style: chr10-123244924-T-C.
Other names: c.2183A>G, p.Asn728Ser (NM_001144913.1, NM_022970.4); c.1844A>G, p.Asn615Ser (NM_001144914.1); c.1913A>G, p.Asn638Ser (NM_001144915.2, NM_023029.3); c.1835A>G, p.Asn612Ser (NM_001144916.2); c.1832A>G, p.Asn611Ser (NM_001144917.2); c.1829A>G, p.Asn610Ser (NM_001144918.2); c.1916A>G, p.Asn639Ser (NM_001144919.2); c.1496A>G, p.Asn499Ser (NM_001320654.2); and 1 more; short protein forms N610S, N615S, N725S, N638S, N639S, N727S, N728S, N499S.
Identifiers: ClinVar variation 3665347 (VCV003665347.2).

ClinVar aggregate classification (germline): Uncertain significance (1 of 4 stars; one submission).

Conditions:
FGFR2-related craniosynostosis. Identifiers: MedGen CN231480.

Submission:

Labcorp Genetics (formerly Invitae), Labcorp
Classification: Uncertain significance for FGFR2-related craniosynostosis. Last evaluated: 2024-06-05. Review status: criteria provided, single submitter. Criteria: Invitae Variant Classification Sherloc (09022015). Collection method: clinical testing. Allele origin: germline.
Comment: This sequence change replaces asparagine, which is neutral and polar, with serine, which is neutral and polar, at codon 727 of the FGFR2 protein (p.Asn727Ser). This variant is not present in population databases (gnomAD no frequency). This variant has not been reported in the literature in individuals affected with FGFR2-related conditions. Advanced modeling of protein sequence and biophysical properties (such as structural, functional, and spatial information, amino acid conservation, physicochemical variation, residue mobility, and thermodynamic stability) has been performed at Invitae for this missense variant, however the output from this modeling did not meet the statistical confidence thresholds required to predict the impact of this variant on FGFR2 protein function. In summary, the available evidence is currently insufficient to determine the role of this variant in disease. Therefore, it has been classified as a Variant of Uncertain Significance.